The following is an entry in ClinVar:

NM_003476.5(CSRP3):c.16G>A (p.Gly6Arg)

Gene: CSRP3 (cysteine and glycine rich protein 3; minus strand). Cytogenetic location: 11p15.1.
Variant type: single nucleotide variant.
Coding change: c.16G>A on transcript NM_003476.5 (MANE Select); coding-DNA position 16, G replaced by A.
Protein change: p.Gly6Arg; replaces glycine 6 with arginine.
Molecular consequence: missense variant.
Genome position (GRCh38, 1-based): chr11:19,192,433, C>T on the plus strand (G>A on the coding strand, the complement: CSRP3 is on the minus strand). VCF-style: chr11-19192433-C-T. GRCh37 (hg19) VCF-style: chr11-19213980-C-T.
Other names: c.16G>A, p.Gly6Arg (NM_001369404.1); short protein forms G6R.
Identifiers: ClinVar variation 163013 (VCV000163013.29), dbSNP rs185980145, ClinGen allele CA175606.

ClinVar aggregate classification (germline): Conflicting classifications of pathogenicity. Review status: criteria provided, conflicting classifications (1 of 4 stars). 8 submissions from 8 submitters: Uncertain significance (3); Likely benign (5). Last evaluated 2025-09-14.

Conditions:
Cardiovascular phenotype. Identifiers: MedGen CN230736.
Dilated cardiomyopathy 1M (CMD1M). Identifiers: Orphanet 154, MedGen C1843808, MONDO:0011840, OMIM 607482.
Hypertrophic cardiomyopathy 12. Identifiers: MedGen C2677491, MONDO:0012804, OMIM 612124.
Cardiomyopathy (CMYO). Also called: Cardiomyopathies. Identifiers: Orphanet 167848, MedGen C0878544, MONDO:0004994, HP:0001638. Inheritance: Various modes of inheritance.
Primary familial hypertrophic cardiomyopathy (HCM). Identifiers: Orphanet 99739, MedGen C0949658, MeSH D024741, MONDO:0024573. Inheritance: Various modes of inheritance.

Allele frequency attached by ClinVar (database versions not stated): gnomAD 0.00006 and 0.00011; TOPMed 0.00006; ExAC 0.00007; ESP Exome Variant Server 0.00008; gnomAD exomes 0.00009; 1000 Genomes Project 0.00060; 1000 Genomes Project 30x 0.00062.

Submissions (8):

Labcorp Genetics (formerly Invitae), Labcorp
Classification: Likely benign for Hypertrophic cardiomyopathy 12; Dilated cardiomyopathy 1M. Last evaluated: 2025-09-14. Review status: criteria provided, single submitter. Criteria: Invitae Variant Classification Sherloc (09022015). Collection method: clinical testing. Allele origin: germline.

Women's Health and Genetics/Laboratory Corporation of America, LabCorp
Classification: Likely benign. Last evaluated: 2025-01-23. Review status: criteria provided, single submitter. Criteria: LabCorp Variant Classification Summary - May 2015. Collection method: clinical testing. Allele origin: germline.
Comment: Variant summary: CSRP3 c.16G>A (p.Gly6Arg) results in a non-conservative amino acid change in the encoded protein sequence. Five of five in-silico tools predict a damaging effect of the variant on protein function. The variant allele was found at a frequency of 9.1e-05 in 251394 control chromosomes, predominantly at a frequency of 0.00071 within the East Asian subpopulation in the gnomAD database. The observed variant frequency within East Asian control individuals in the gnomAD database is approximately 28 - fold of the estimated maximal expected allele frequency for a pathogenic variant in CSRP3 causing Cardiomyopathy phenotype (2.5e-05). c.16G>A has been reported in the literature in at least an individual affected with cardiomyopathy (example: Mazzarotto_2020). This report however does not provide unequivocal conclusions about association of the variant with cardiomyopathy. The following publication has been ascertained in the context of this evaluation (PMID: 31983221). ClinVar contains an entry for this variant (Variation ID: 163013). Based on the evidence outlined above, the variant was classified as likely benign.

GeneDx
Classification: Uncertain significance. Last evaluated: 2024-03-12. Review status: criteria provided, single submitter. Criteria: GeneDx Variant Classification Process June 2021. Collection method: clinical testing. Allele origin: germline. Affected: yes.
Comment: Has been reported in individuals with DCM and sudden unexplained death (PMID: 31983221); In silico analysis supports that this missense variant has a deleterious effect on protein structure/function; This variant is associated with the following publications: (PMID: 31983221, 36721086)

Blueprint Genetics
Classification: Likely benign. Last evaluated: 2023-11-28. Review status: criteria provided, single submitter. Criteria: ACMG Guidelines, 2015. Collection method: clinical testing. Allele origin: germline.

Ambry Genetics
Classification: Likely benign for Cardiovascular phenotype. Last evaluated: 2018-11-01. Review status: criteria provided, single submitter. Criteria: Ambry Variant Classification Scheme 2023. Collection method: clinical testing. Allele origin: germline.

CHEO Genetics Diagnostic Laboratory, Children's Hospital of Eastern Ontario
Classification: Likely benign for Cardiomyopathy. Last evaluated: 2018-07-17. Review status: criteria provided, single submitter. Criteria: ACMG Guidelines, 2015. Collection method: clinical testing. Allele origin: germline.

Molecular Diagnostic Laboratory for Inherited Cardiovascular Disease, Montreal Heart Institute
Classification: Uncertain significance for Primary familial hypertrophic cardiomyopathy. Last evaluated: 2016-07-28. Review status: criteria provided, single submitter. Criteria: ACMG Guidelines, 2015. Collection method: clinical testing. Allele origin: germline. Affected: yes.

Laboratory for Molecular Medicine, Mass General Brigham Personalized Medicine
Classification: Uncertain significance. Last evaluated: 2014-10-06. Review status: criteria provided, single submitter. Criteria: LMM Criteria. Collection method: clinical testing. Allele origin: germline. Observed: 1 variant allele.
Comment: The p.Gly6Arg variant in CSRP3 has not been previously reported in individuals w ith cardiomyopathy, but has been identified in 1/8586 European American chromoso mes by the NHLBI Exome Sequencing Project an d in 1.0% (2/200) of Southern Han Chinese chromosomes by the 1000 Genomes Projec t (dbSNP rs185980145). Computational prediction tools and conservation analysis do not provide strong support for or against an impact to the protein. In summa ry, the clinical significance of the p.Gly6Arg variant is uncertain.

Literature cited by the submitters: PubMed 31983221 (cited by Women's Health and Genetics/Laboratory Corporation of America, LabCorp).